The following is an entry in ClinVar:

NM_001134407.3(GRIN2A):c.2776del (p.Gln926fs)

Gene: GRIN2A (glutamate ionotropic receptor NMDA type subunit 2A; minus strand). Cytogenetic location: 16p13.2.
Variant type: Deletion.
Coding change: c.2776del on transcript NM_001134407.3 (MANE Select); coding-DNA position 2776, one base deleted (C; older notation c.2776delC).
Protein change: p.Gln926fs; shifts the reading frame from glutamine 926.
Molecular consequence: frameshift variant.
Genome position (GRCh38, 1-based): chr16:9,764,768, G deleted on the plus strand (C on the coding strand, the reverse complement: GRIN2A is on the minus strand); the first of 2 consecutive G bases (chr16:9,764,768-9,764,769); deleting either gives the same sequence. VCF-style (leftmost placement, unchanged base first): chr16-9764767-TG-T. GRCh37 (hg19) VCF-style: chr16-9858624-TG-T.
Other names: c.2776del, p.Gln926fs (NM_000833.5, NM_001134408.2); c.2776delC (NM_000833.4); short protein forms Q926fs.
Identifiers: ClinVar variation 652989 (VCV000652989.11), dbSNP rs1596377481, ClinGen allele CA915949119.

ClinVar aggregate classification (germline): Pathogenic (1 of 4 stars; one submission).

Conditions:
Landau-Kleffner syndrome (FESD). Also called: EPILEPSY, FOCAL, WITH SPEECH DISORDER AND WITH OR WITHOUT MENTAL RETARDATION; APHASIA, ACQUIRED, WITH EPILEPSY. Identifiers: Orphanet 1945, Orphanet 725, Orphanet 98818, MedGen C0282512, MONDO:0009509, OMIM 245570.

Submission:

Labcorp Genetics (formerly Invitae), Labcorp
Classification: Pathogenic for Landau-Kleffner syndrome. Last evaluated: 2022-11-07. Review status: criteria provided, single submitter. Criteria: Invitae Variant Classification Sherloc (09022015). Collection method: clinical testing. Allele origin: germline.
Comment: This variant has not been reported in the literature in individuals affected with GRIN2A-related conditions. For these reasons, this variant has been classified as Pathogenic. This variant disrupts a region of the GRIN2A protein in which other variant(s) (p.Trp1271*) have been determined to be pathogenic (PMID: 29961510). This suggests that this is a clinically significant region of the protein, and that variants that disrupt it are likely to be disease-causing. ClinVar contains an entry for this variant (Variation ID: 652989). This variant is not present in population databases (gnomAD no frequency). This sequence change creates a premature translational stop signal (p.Gln926Lysfs*16) in the GRIN2A gene. While this is not anticipated to result in nonsense mediated decay, it is expected to disrupt the last 539 amino acid(s) of the GRIN2A protein.

Literature cited by the submitters: PubMed 29961510.